The following is an entry in ClinVar:

ClinVar aggregate classification (germline): Uncertain significance (1 of 4 stars; one submission).

Allele frequency attached by ClinVar (database versions not stated): gnomAD exomes below 0.00001; ExAC 0.00001.
gnomAD v4.1: 3 of 1,614,158 alleles (0.00019%); highest among the groups gnomAD compares: South Asian, 0.0033%; no homozygotes.

Submission:

Labcorp Genetics (formerly Invitae), Labcorp
Classification: Uncertain significance. Last evaluated: 2021-09-15. Review status: criteria provided, single submitter. Criteria: Invitae Variant Classification Sherloc (09022015). Collection method: clinical testing. Allele origin: germline.
Comment: This sequence change replaces glycine with arginine at codon 698 of the LAMC3 protein (p.Gly698Arg). The glycine residue is highly conserved and there is a moderate physicochemical difference between glycine and arginine. This variant is present in population databases (rs764948423, ExAC 0.006%). This variant has not been reported in the literature in individuals affected with LAMC3-related conditions. Algorithms developed to predict the effect of missense changes on protein structure and function are either unavailable or do not agree on the potential impact of this missense change (SIFT: "Tolerated"; PolyPhen-2: "Probably Damaging"; Align-GVGD: "Class C0"). In summary, the available evidence is currently insufficient to determine the role of this variant in disease. Therefore, it has been classified as a Variant of Uncertain Significance.

NM_006059.4(LAMC3):c.2092G>A (p.Gly698Arg)

Gene: LAMC3 (laminin subunit gamma 3; plus strand). Cytogenetic location: 9q34.12.
Variant type: single nucleotide variant.
Coding change: c.2092G>A on transcript NM_006059.4 (MANE Select); coding-DNA position 2092, G replaced by A.
Protein change: p.Gly698Arg; replaces glycine 698 with arginine.
Molecular consequence: missense variant.
Genome position (GRCh38, 1-based): chr9:131,057,081, G>A. VCF-style: chr9-131057081-G-A. GRCh37 (hg19) VCF-style: chr9-133932468-G-A.
Other names: short protein forms G698R.
Identifiers: ClinVar variation 1444761 (VCV001444761.6), dbSNP rs764948423, ClinGen allele CA5287313.